The following is an entry in ClinVar:

NM_001166114.2(PNPLA6):c.3495C>T (p.Ser1165=)

Gene: PNPLA6 (patatin like domain 6, lysophospholipase; plus strand). Cytogenetic location: 19p13.2.
Variant type: single nucleotide variant.
Coding change: c.3495C>T on transcript NM_001166114.2 (MANE Select); coding-DNA position 3495, C replaced by T.
Protein change: p.Ser1165=; no amino-acid change (serine 1165 retained).
Molecular consequence: synonymous variant.
Genome position (GRCh38, 1-based): chr19:7,558,947, C>T. VCF-style: chr19-7558947-C-T. GRCh37 (hg19) VCF-style: chr19-7623833-C-T.
Other names: p.Ser1127=; c.3525C>T, p.Ser1175= (NM_001166111.2); c.3300C>T, p.Ser1100= (NM_001166112.2); c.3381C>T, p.Ser1127= (NM_001166113.1, NM_006702.5).
Identifiers: ClinVar variation 240698 (VCV000240698.58), dbSNP rs138837774, ClinGen allele CA9140500.

ClinVar aggregate classification (germline): Conflicting classifications of pathogenicity. Review status: criteria provided, conflicting classifications (1 of 4 stars). 11 submissions from 11 submitters: Uncertain significance (1); Benign (1); Likely benign (6). 3 of the submissions do not count toward it. Last evaluated 2026-06-01.

Conditions:
PNPLA6-related disorder. Also called: PNPLA6-related condition; PNPLA6-related disorders.
Hereditary spastic paraplegia. Also called: Familial spastic paraparesis. Identifiers: Orphanet 685, MedGen C0037773, MONDO:0019064. Disease mechanism: loss of function.
Hereditary spastic paraplegia 39 (SPG39). Also called: SPASTIC PARAPLEGIA 39, AUTOSOMAL RECESSIVE; Spastic Paraplegia Type 39 (SPG39). Identifiers: Orphanet 139480, MedGen C2677586, MONDO:0012787, OMIM 612020.

Allele frequency attached by ClinVar (database versions not stated): gnomAD 0.00064; TOPMed 0.00066; ExAC 0.00067; ESP Exome Variant Server 0.00069; 1000 Genomes Project 0.00080; gnomAD exomes 0.00081; 1000 Genomes Project 30x 0.00109.
gnomAD v4.1: 1,273 of 1,614,124 alleles (0.079%); highest among the groups gnomAD compares: Non-Finnish European, 0.1%; no homozygotes.

Submissions (11):

CeGaT Center for Human Genetics Tuebingen
Classification: Likely benign. Last evaluated: 2026-06-01. Review status: criteria provided, single submitter. Criteria: CeGaT Center For Human Genetics Tuebingen Variant Classification Criteria Version 2. Collection method: clinical testing. Allele origin: germline. Affected: yes. Observed: 4 variant alleles.
Comment: PNPLA6: BP4, BP7

Labcorp Genetics (formerly Invitae), Labcorp
Classification: Likely benign for Hereditary spastic paraplegia 39. Last evaluated: 2026-01-23. Review status: criteria provided, single submitter. Criteria: Invitae Variant Classification Sherloc (09022015). Collection method: clinical testing. Allele origin: germline.

Mayo Clinic Laboratories, Mayo Clinic
Classification: Likely benign. Last evaluated: 2025-10-10. Review status: criteria provided, single submitter. Criteria: ACMG Guidelines, 2015. Collection method: clinical testing. Allele origin: germline. Observed: 5 variant alleles.
Comment: BS1, BP4, BP7

Blueprint Genetics
Classification: Likely benign. Last evaluated: 2024-11-14. Review status: criteria provided, single submitter. Criteria: ACMG Guidelines, 2015. Collection method: clinical testing. Allele origin: germline.

Genome Diagnostics Laboratory, The Hospital for Sick Children
Classification: Likely benign for Hereditary spastic paraplegia. Last evaluated: 2021-06-06. Review status: criteria provided, single submitter. Criteria: ACMG Guidelines, 2015. Collection method: clinical testing. Allele origin: germline. Affected: yes.

GeneDx
Classification: Likely benign. Last evaluated: 2021-03-30. Review status: criteria provided, single submitter. Criteria: GeneDx Variant Classification Process June 2021. Collection method: clinical testing. Allele origin: germline. Affected: yes.

Athena Diagnostics
Classification: Benign. Last evaluated: 2020-08-18. Review status: criteria provided, single submitter. Criteria: Athena Diagnostics Criteria. Collection method: clinical testing. Allele origin: unknown.

Illumina Laboratory Services, Illumina
Classification: Uncertain significance for Hereditary spastic paraplegia 39. Last evaluated: 2018-01-12. Review status: criteria provided, single submitter. Criteria: ICSL Variant Classification Criteria 13 December 2019. Collection method: clinical testing. Allele origin: germline.

PreventionGenetics, part of Exact Sciences
Classification: Likely benign for PNPLA6-related condition. Last evaluated: 2019-07-22. Review status: no assertion criteria provided. Collection method: clinical testing. Allele origin: germline. Not counted in ClinVar's aggregate classification.
Comment: This variant is classified as likely benign based on ACMG/AMP sequence variant interpretation guidelines (Richards et al. 2015 PMID: 25741868, with internal and published modifications).

Clinical Genetics DNA and cytogenetics Diagnostics Lab, Erasmus MC, Erasmus Medical Center
Classification: Likely benign. Review status: no assertion criteria provided. Collection method: clinical testing. Allele origin: germline. Affected: yes. Study: VKGL Data-share Consensus. Not counted in ClinVar's aggregate classification.

Clinical Genetics, Academic Medical Center
Classification: Benign. Review status: no assertion criteria provided. Collection method: clinical testing. Allele origin: germline. Affected: yes. Study: VKGL Data-share Consensus. Not counted in ClinVar's aggregate classification.